The following is an entry in ClinVar:

NC_000006.11:g.(?_3111017)_(3113573_?)del

Gene: RIPK1 (receptor interacting serine/threonine kinase 1; plus strand). Cytogenetic location: 6p25.2.
Variant type: Deletion.
Identifiers: ClinVar variation 1400231 (VCV001400231.7).

ClinVar aggregate classification (germline): Uncertain significance (1 of 4 stars; one submission).

Submission:

Labcorp Genetics (formerly Invitae), Labcorp
Classification: Uncertain significance. Last evaluated: 2022-02-05. Review status: criteria provided, single submitter. Criteria: Invitae Variant Classification Sherloc (09022015). Collection method: clinical testing. Allele origin: germline.
Comment: In summary, the available evidence is currently insufficient to determine the role of this variant in disease. Therefore, it has been classified as a Variant of Uncertain Significance. This variant is a gross deletion of the genomic region encompassing exon(s) 10-11 of the RIPK1 gene, which includes the termination codon. This deletion extends beyond the assayed region for this gene and therefore may encompass additional genes. While this deletion is not anticipated to lead to nonsense mediated decay, it is expected to alter mRNA translation or result in a truncated protein product. This variant has not been reported in the literature in individuals affected with RIPK1-related conditions.